The following is an entry in ClinVar:

ClinVar aggregate classification (germline): Likely benign (1 of 4 stars; one submission).

Submission:

GeneDx
Classification: Likely benign. Last evaluated: 2012-10-30. Review status: criteria provided, single submitter. Criteria: GeneDx Variant Classification (06012015). Collection method: clinical testing. Allele origin: germline. Affected: yes.
Comment: This variant is considered likely benign or benign based on one or more of the following criteria: it is a conservative change, it occurs at a poorly conserved position in the protein, it is predicted to be benign by multiple in silico algorithms, and/or has population frequency not consistent with disease.

NM_001267550.2(TTN):c.595G>A (p.Val199Ile)

Gene: TTN (titin; minus strand). Cytogenetic location: 2q31.2.
Variant type: single nucleotide variant.
Coding change: c.595G>A on transcript NM_001267550.2 (MANE Select); coding-DNA position 595, G replaced by A.
Protein change: p.Val199Ile; replaces valine 199 with isoleucine.
Molecular consequence: missense variant.
Genome position (GRCh38, 1-based): chr2:178,799,899, C>T on the plus strand (G>A on the coding strand, the complement: TTN is on the minus strand). VCF-style: chr2-178799899-C-T. GRCh37 (hg19) VCF-style: chr2-179664626-C-T.
Other names: p.V199I:GTA>ATA; c.595G>A, p.Val199Ile (NM_003319.4, NM_133378.4, NM_133379.5 and 3 more transcripts); short protein forms V199I.
Identifiers: ClinVar variation 202353 (VCV000202353.1), dbSNP rs794729254, ClinGen allele CA309183.